The following is an entry in ClinVar:

ClinVar aggregate classification (germline): Pathogenic. Review status: criteria provided, multiple submitters, no conflicts (2 of 4 stars). 2 submissions from 2 submitters: Pathogenic (2). Last evaluated 2023-06-20.

Conditions:
O'Donnell-Luria-Rodan syndrome (ODLURO). Also called: KMT2E-Related Neurodevelopmental Disorder. Identifiers: MedGen C5193138, MONDO:0032793, OMIM 618512.

Submissions (2):

Equipe Genetique des Anomalies du Developpement, Université de Bourgogne
Classification: Pathogenic for O'Donnell-Luria-Rodan syndrome. Last evaluated: 2023-06-20. Review status: criteria provided, single submitter. Criteria: ACMG Guidelines, 2015. Collection method: clinical testing. Allele origin: paternal. Inheritance: Autosomal dominant inheritance. Affected: yes.

Labcorp Genetics (formerly Invitae), Labcorp
Classification: Pathogenic. Last evaluated: 2020-07-02. Review status: criteria provided, single submitter. Criteria: Invitae Variant Classification Sherloc (09022015). Collection method: clinical testing. Allele origin: germline.
Comment: This sequence change creates a premature translational stop signal (p.Ser102Valfs*17) in the KMT2E gene. It is expected to result in an absent or disrupted protein product. This variant is not present in population databases (ExAC no frequency). This variant has not been reported in the literature in individuals with KMT2E-related conditions. Loss-of-function variants in KMT2E are known to be pathogenic (PMID: 31079897). For these reasons, this variant has been classified as Pathogenic.

Literature cited by the submitters: PubMed 31079897 (cited by Labcorp Genetics (formerly Invitae), Labcorp).

NM_182931.3(KMT2E):c.303del (p.Ser102fs)

Gene: KMT2E (lysine methyltransferase 2E (inactive); plus strand). Cytogenetic location: 7q22.3.
Variant type: Deletion.
Coding change: c.303del on transcript NM_182931.3 (MANE Select); coding-DNA position 303, one base deleted (C; older notation c.303delC).
Protein change: p.Ser102fs; shifts the reading frame from serine 102.
Molecular consequence: frameshift variant.
Genome position (GRCh38, 1-based): chr7:105,063,467, C deleted; the last of 2 consecutive C bases (chr7:105,063,466-105,063,467); deleting either gives the same sequence. VCF-style (leftmost placement, unchanged base first): chr7-105063465-TC-T. GRCh37 (hg19) VCF-style: chr7-104703912-TC-T.
Other names: c.303del, p.Ser102fs (NM_018682.4); short protein forms S102fs.
Identifiers: ClinVar variation 1076869 (VCV001076869.8), dbSNP rs2129567233, ClinGen allele CA2499218628.